The following is an entry in ClinVar:

NM_000059.4(BRCA2):c.8875G>T (p.Glu2959Ter)

Gene: BRCA2 (BRCA2 DNA repair associated; plus strand). Cytogenetic location: 13q13.1.
Variant type: single nucleotide variant.
Coding change: c.8875G>T on transcript NM_000059.4 (MANE Select); coding-DNA position 8875, G replaced by T.
Protein change: p.Glu2959Ter; replaces glutamic acid 2959 with a stop codon.
Molecular consequence: nonsense.
Genome position (GRCh38, 1-based): chr13:32,379,437, G>T. VCF-style: chr13-32379437-G-T. GRCh37 (hg19) VCF-style: chr13-32953574-G-T.
Other names: short protein forms E2959*.
Identifiers: ClinVar variation 186398 (VCV000186398.9), dbSNP rs786202920, ClinGen allele CA025858.
Genomic context (GRCh38, chr13:32,379,437, plus strand): 5'-AAGAAACAAGCTCAGATCCAGTTGGAAATTAGGAAGGCCATGGAATCTGCTGAACAAAAG[G>T]AACAAGGTTTATCAAGGGATGTCACAACCGTGTGGAAGTTGCGTATTGTAAGCTATTCAA-3'

ClinVar aggregate classification (germline): Pathogenic. Review status: reviewed by expert panel (3 of 4 stars). 4 submissions from 4 submitters: Pathogenic (1). 3 of the submissions do not count toward it. Last evaluated 2016-09-08.

Conditions:
Hereditary cancer-predisposing syndrome. Also called: Hereditary Cancer Syndrome; Neoplastic Syndromes, Hereditary; Tumor predisposition; Hereditary neoplastic syndrome. Identifiers: Orphanet 140162, MedGen C0027672, MeSH D009386, MONDO:0015356.
Breast-ovarian cancer, familial, susceptibility to, 2 (BROVCA2). Also called: BRCA2 Hereditary Breast and Ovarian Cancer. Identifiers: Orphanet 145, MedGen C2675520, MONDO:0012933, OMIM 612555. Disease mechanism: loss of function.

Submissions (4):

Evidence-based Network for the Interpretation of Germline Mutant Alleles (ENIGMA)
Classification: Pathogenic for Breast-ovarian cancer, familial, susceptibility to, 2. Last evaluated: 2016-09-08. Review status: reviewed by expert panel. Criteria: ENIGMA BRCA1/2 Classification Criteria (2015). Collection method: curation. Allele origin: germline.
Comment: Variant allele predicted to encode a truncated non-functional protein.

Ambry Genetics
Classification: Pathogenic for Hereditary cancer-predisposing syndrome. Last evaluated: 2024-05-08. Review status: criteria provided, single submitter. Criteria: Ambry Variant Classification Scheme 2023. Collection method: clinical testing. Allele origin: germline. Not counted in ClinVar's aggregate classification.
Comment: The p.E2959* pathogenic mutation (also known as c.8875G>T), located in coding exon 21 of the BRCA2 gene, results from a G to T substitution at nucleotide position 8875. This changes the amino acid from a glutamic acid to a stop codon within coding exon 21. This alteration is expected to result in loss of function by premature protein truncation or nonsense-mediated mRNA decay. As such, this alteration is interpreted as a disease-causing mutation.

GeneDx
Classification: Pathogenic. Last evaluated: 2016-04-07. Review status: criteria provided, single submitter. Criteria: GeneDx Variant Classification (06012015). Collection method: clinical testing. Allele origin: germline. Affected: yes. Not counted in ClinVar's aggregate classification.
Comment: This variant is denoted BRCA2 c.8875G>T at the cDNA level and p.Glu2959Ter (E2959X) at the protein level. This variant would also be defined as BRCA2 9103G>T using alternate nomenclature. The substitution creates a nonsense variant, which changes a Glutamic Acid to a premature stop codon (GAA>TAA), and is predicted to cause loss of normal protein function through either protein truncation or nonsense-mediated mRNA decay. Although this variant has not, to our knowledge, been reported in the literature, it is considered pathogenic.

Consortium of Investigators of Modifiers of BRCA1/2 (CIMBA), c/o University of Cambridge
Classification: Pathogenic for Breast-ovarian cancer, familial, susceptibility to, 2. Last evaluated: 2015-10-02. Review status: criteria provided, single submitter. Criteria: CIMBA Mutation Classification guidelines May 2016. Collection method: clinical testing. Allele origin: germline. Not counted in ClinVar's aggregate classification.